The following is an entry in ClinVar:

NM_001270974.2(HYDIN):c.11931G>A (p.Leu3977=)

Gene: HYDIN (HYDIN axonemal central pair apparatus protein; minus strand). Cytogenetic location: 16q22.2.
Variant type: single nucleotide variant.
Coding change: c.11931G>A on transcript NM_001270974.2 (MANE Select); coding-DNA position 11931, G replaced by A.
Protein change: p.Leu3977=; no amino-acid change (leucine 3977 retained).
Molecular consequence: synonymous variant.
Genome position (GRCh38, 1-based): chr16:70,860,748, C>T on the plus strand (G>A on the coding strand, the complement: HYDIN is on the minus strand). VCF-style: chr16-70860748-C-T. GRCh37 (hg19) VCF-style: chr16-70894651-C-T.
Identifiers: ClinVar variation 2646704 (VCV002646704.24), dbSNP rs868538420, ClinGen allele CA283511659.

ClinVar aggregate classification (germline): Likely benign (1 of 4 stars; one submission).

Submission:

CeGaT Center for Human Genetics Tuebingen
Classification: Likely benign. Last evaluated: 2025-07-01. Review status: criteria provided, single submitter. Criteria: CeGaT Center For Human Genetics Tuebingen Variant Classification Criteria Version 2. Collection method: clinical testing. Allele origin: germline. Affected: yes. Observed: 13 variant alleles.
Comment: HYDIN: BP4, BP7